The following is an entry in ClinVar:

NM_001130144.3(LTBP3):c.3346C>T (p.Pro1116Ser)

Genes: LTBP3 (latent transforming growth factor beta binding protein 3; minus strand), LOC130006027 (ATAC-STARR-seq lymphoblastoid silent region 3530; plus strand). Cytogenetic location: 11q13.1.
Variant type: single nucleotide variant.
Coding change: c.3346C>T on transcript NM_001130144.3 (MANE Select); coding-DNA position 3346, C replaced by T.
Protein change: p.Pro1116Ser; replaces proline 1116 with serine.
Molecular consequence: missense variant. On other transcripts: intron variant (2).
Genome position (GRCh38, 1-based): chr11:65,540,052, G>A on the plus strand (C>T on the coding strand, the complement: LTBP3 is on the minus strand). VCF-style: chr11-65540052-G-A. GRCh37 (hg19) VCF-style: chr11-65307523-G-A.
Other names: c.2894-171C>T (NM_001164266.1); c.3245-171C>T (NM_021070.4); c.3346C>T (NM_001130144.2); short protein forms P1116S.
Identifiers: ClinVar variation 3611443 (VCV003611443.3).
Genomic context (GRCh38, chr11:65,540,052, plus strand): 5'-AAGGCCAACCCTCGCCCTCACCGGCCGGGCTCTCGGGGAGCTGGCAATCGCGGCCGGAGG[G>A]CCCGGGCACCCAGGGCGGGCGACACTCGCAGCGGTAGGAGCCCGGCAGGTTGACGCAGCG-3'
Protein context (NP_001123616.1, residues 1106-1126): CECRPPWVPG[Pro1116Ser]SGRDCQLPES

ClinVar aggregate classification (germline): Uncertain significance. Review status: criteria provided, multiple submitters, no conflicts (2 of 4 stars). 2 submissions from 2 submitters: Uncertain significance (2). Last evaluated 2025-10-27.

Conditions:
Brachyolmia-amelogenesis imperfecta syndrome. Also called: Tooth agenesis, selective, 6; Dental anomalies and short stature; PLATYSPONDYLY WITH AMELOGENESIS IMPERFECTA. Identifiers: Orphanet 2899, MedGen C1832594, MONDO:0011018, OMIM 601216. Disease mechanism: loss of function.
Inborn genetic diseases. Identifiers: MedGen C0950123, MeSH D030342.

gnomAD v4.1: 6 of 1,520,150 alleles (0.00039%); highest among the groups gnomAD compares: Admixed American, 0.002%; no homozygotes.

Submissions (2):

Ambry Genetics
Classification: Uncertain significance for Inborn genetic diseases. Last evaluated: 2025-10-27. Review status: criteria provided, single submitter. Criteria: Ambry Variant Classification Scheme 2023. Collection method: clinical testing. Allele origin: germline.
Comment: The p.P1116S variant (also known as c.3346C>T), located in coding exon 24 of the LTBP3 gene, results from a C to T substitution at nucleotide position 3346. The proline at codon 1116 is replaced by serine, an amino acid with similar properties. This amino acid position is conserved. In addition, this alteration is predicted to be tolerated by in silico analysis. Based on the available evidence, the clinical significance of this variant remains unclear.

Labcorp Genetics (formerly Invitae), Labcorp
Classification: Uncertain significance for Brachyolmia-amelogenesis imperfecta syndrome. Last evaluated: 2024-09-16. Review status: criteria provided, single submitter. Criteria: Invitae Variant Classification Sherloc (09022015). Collection method: clinical testing. Allele origin: germline.
Comment: This sequence change replaces proline, which is neutral and non-polar, with serine, which is neutral and polar, at codon 1116 of the LTBP3 protein (p.Pro1116Ser). This variant is not present in population databases (gnomAD no frequency). This variant has not been reported in the literature in individuals affected with LTBP3-related conditions. An algorithm developed to predict the effect of missense changes on protein structure and function (PolyPhen-2) suggests that this variant is likely to be disruptive. In summary, the available evidence is currently insufficient to determine the role of this variant in disease. Therefore, it has been classified as a Variant of Uncertain Significance.